The following is an entry in ClinVar:

NM_001958.5(EEF1A2):c.959T>C (p.Ile320Thr)

Gene: EEF1A2 (eukaryotic translation elongation factor 1 alpha 2; minus strand). Cytogenetic location: 20q13.33.
Variant type: single nucleotide variant.
Coding change: c.959T>C on transcript NM_001958.5 (MANE Select); coding-DNA position 959, T replaced by C.
Protein change: p.Ile320Thr; replaces isoleucine 320 with threonine.
Molecular consequence: missense variant.
Genome position (GRCh38, 1-based): chr20:63,490,549, A>G on the plus strand (T>C on the coding strand, the complement: EEF1A2 is on the minus strand). VCF-style: chr20-63490549-A-G. GRCh37 (hg19) VCF-style: chr20-62121902-A-G.
Other names: short protein forms I320T.
Identifiers: ClinVar variation 4076776 (VCV004076776.1).
Genomic context (GRCh38, chr20:63,490,549, plus strand): 5'-AACTGAGCAGCCTCCTGCGGCGGGTCAGACTTGCTGTCCCCACACACGTTGCCCCGCCGG[A>G]TGTCCTTCACCGACACGTTCTTCACATTGAAGCCGACGTTGTCGCCGGGCAGAGCTTCGC-3'
Protein context (NP_001949.1, residues 310-330): FNVKNVSVKD[Ile320Thr]RRGNVCGDSK

ClinVar aggregate classification (germline): Uncertain significance (1 of 4 stars; one submission).

Submission:

GeneDx
Classification: Uncertain significance. Last evaluated: 2025-02-23. Review status: criteria provided, single submitter. Criteria: GeneDx Variant Classification Process June 2021. Collection method: clinical testing. Allele origin: germline. Affected: yes.
Comment: Not observed at significant frequency in large population cohorts (gnomAD); In silico analysis supports that this missense variant has a deleterious effect on protein structure/function; Has not been previously published as pathogenic or benign to our knowledge